The following is an entry in ClinVar:

NM_001099287.2(NIPAL4):c.826A>C (p.Ser276Arg)

Gene: NIPAL4 (NIPA like domain containing 4; plus strand). Cytogenetic location: 5q33.3.
Variant type: single nucleotide variant.
Coding change: c.826A>C on transcript NM_001099287.2 (MANE Select); coding-DNA position 826, A replaced by C.
Protein change: p.Ser276Arg; replaces serine 276 with arginine.
Molecular consequence: missense variant.
Genome position (GRCh38, 1-based): chr5:157,472,571, A>C. VCF-style: chr5-157472571-A-C. GRCh37 (hg19) VCF-style: chr5-156899579-A-C.
Other names: c.769A>C, p.Ser257Arg (NM_001172292.2); short protein forms S257R, S276R.
Identifiers: ClinVar variation 3897461 (VCV003897461.1).

ClinVar aggregate classification (germline): Uncertain significance (1 of 4 stars; one submission).

gnomAD v4.1: 2 of 1,613,870 alleles (0.00012%); highest among the groups gnomAD compares: Non-Finnish European, 0.00017%; no homozygotes.

Submission:

GeneDx
Classification: Uncertain significance. Last evaluated: 2024-11-04. Review status: criteria provided, single submitter. Criteria: GeneDx Variant Classification Process June 2021. Collection method: clinical testing. Allele origin: germline. Affected: yes.
Comment: Has not been previously published as pathogenic or benign to our knowledge; Not observed at significant frequency in large population cohorts (gnomAD); In silico analysis supports that this missense variant has a deleterious effect on protein structure/function